The following is an entry in ClinVar:

NM_001370259.2(MEN1):c.761T>G (p.Leu254Arg)

Gene: MEN1 (menin 1; minus strand). Cytogenetic location: 11q13.1.
Variant type: single nucleotide variant.
Coding change: c.761T>G on transcript NM_001370259.2 (MANE Select); coding-DNA position 761, T replaced by G.
Protein change: p.Leu254Arg; replaces leucine 254 with arginine.
Molecular consequence: missense variant. On other transcripts: non-coding transcript variant (4).
Genome position (GRCh38, 1-based): chr11:64,807,574, A>C on the plus strand (T>G on the coding strand, the complement: MEN1 is on the minus strand). VCF-style: chr11-64807574-A-C. GRCh37 (hg19) VCF-style: chr11-64575046-A-C.
Other names: c.761T>G, p.Leu254Arg (NM_130799.3, NM_001407152.1, NM_001370251.2 and 7 more transcripts); c.776T>G, p.Leu259Arg (NM_130800.3, NM_130801.3, NM_130802.3 and 5 more transcripts); c.656T>G, p.Leu219Arg (NM_001407151.1, NM_001370262.2, NM_001370263.2 and 2 more transcripts); short protein forms L219R, L254R, L259R.
Identifiers: ClinVar variation 4826515 (VCV004826515.1).

ClinVar aggregate classification (germline): Uncertain significance (1 of 4 stars; one submission).

Conditions:
Hereditary cancer-predisposing syndrome. Also called: Neoplastic Syndromes, Hereditary; Tumor predisposition; Hereditary Cancer Syndrome; Hereditary neoplastic syndrome. Identifiers: Orphanet 140162, MedGen C0027672, MeSH D009386, MONDO:0015356.

Submission:

Ambry Genetics
Classification: Uncertain significance for Hereditary cancer-predisposing syndrome. Last evaluated: 2026-02-27. Review status: criteria provided, single submitter. Criteria: Ambry Variant Classification Scheme 2023. Collection method: clinical testing. Allele origin: germline.
Comment: The p.L254R variant (also known as c.761T>G), located in coding exon 3 of the MEN1 gene, results from a T to G substitution at nucleotide position 761. The leucine at codon 254 is replaced by arginine, an amino acid with dissimilar properties. This amino acid position is conserved. In addition, this alteration is predicted to be deleterious by in silico analysis. Based on the available evidence, the clinical significance of this variant remains unclear.